The following is an entry in ClinVar:

ClinVar aggregate classification (germline): Uncertain significance (1 of 4 stars; one submission).

Submission:

Labcorp Genetics (formerly Invitae), Labcorp
Classification: Uncertain significance. Last evaluated: 2022-07-13. Review status: criteria provided, single submitter. Criteria: Invitae Variant Classification Sherloc (09022015). Collection method: clinical testing. Allele origin: germline.
Comment: This variant, c.2356_2358del, results in the deletion of 1 amino acid(s) of the CPLANE1 protein (p.Arg786del), but otherwise preserves the integrity of the reading frame. This variant is not present in population databases (gnomAD no frequency). This variant has not been reported in the literature in individuals affected with CPLANE1-related conditions. ClinVar contains an entry for this variant (Variation ID: 1391923). Experimental studies and prediction algorithms are not available or were not evaluated, and the functional significance of this variant is currently unknown. In summary, the available evidence is currently insufficient to determine the role of this variant in disease. Therefore, it has been classified as a Variant of Uncertain Significance.

NM_001384732.1(CPLANE1):c.2356_2358del (p.Arg786del)

Gene: CPLANE1 (ciliogenesis and planar polarity effector complex subunit 1; minus strand). Cytogenetic location: 5p13.2.
Variant type: Deletion.
Coding change: c.2356_2358del on transcript NM_001384732.1 (MANE Select); coding-DNA positions 2356 to 2358, 3 bases deleted (AGA; older notation c.2356_2358delAGA).
Protein change: p.Arg786del; deletes arginine 786.
Molecular consequence: inframe deletion.
Genome position (GRCh38, 1-based): chr5:37,224,674-37,224,676, TCT deleted on the plus strand (AGA on the coding strand, the reverse complement: CPLANE1 is on the minus strand); deleting any 3 consecutive bases within chr5:37,224,674-37,224,678 gives the same sequence; the c. name uses the placement nearest the transcript's 3' end. VCF-style (leftmost placement, unchanged base first): chr5-37224673-CTCT-C. GRCh37 (hg19) VCF-style: chr5-37224775-CTCT-C.
Other names: c.2356_2358del, p.Arg786del (NM_023073.4); short protein forms R786del.
Identifiers: ClinVar variation 1391923 (VCV001391923.3), dbSNP rs1796058097, ClinGen allele CA1075121854.